The following is an entry in ClinVar:

ClinVar aggregate classification (germline): Uncertain significance (1 of 4 stars; one submission).

gnomAD v4.1: 11 of 1,613,754 alleles (0.00068%); highest among the groups gnomAD compares: Non-Finnish European, 0.00093%; no homozygotes.

Submission:

Labcorp Genetics (formerly Invitae), Labcorp
Classification: Uncertain significance. Last evaluated: 2025-08-10. Review status: criteria provided, single submitter. Criteria: Invitae Variant Classification Sherloc (09022015). Collection method: clinical testing. Allele origin: germline.
Comment: This sequence change replaces arginine, which is basic and polar, with glutamine, which is neutral and polar, at codon 35 of the UBE2T protein (p.Arg35Gln). This variant is not present in population databases (gnomAD no frequency). This variant has not been reported in the literature in individuals affected with UBE2T-related conditions. An algorithm developed to predict the effect of missense changes on protein structure and function outputs the following: PolyPhen-2: "Benign". The glutamine amino acid residue is found in multiple mammalian species, which suggests that this missense change does not adversely affect protein function. In summary, the available evidence is currently insufficient to determine the role of this variant in disease. Therefore, it has been classified as a Variant of Uncertain Significance.

NM_014176.4(UBE2T):c.104G>A (p.Arg35Gln)

Gene: UBE2T (ubiquitin conjugating enzyme E2 T; minus strand). Cytogenetic location: 1q32.1.
Variant type: single nucleotide variant.
Coding change: c.104G>A on transcript NM_014176.4 (MANE Select); coding-DNA position 104, G replaced by A.
Protein change: p.Arg35Gln; replaces arginine 35 with glutamine.
Molecular consequence: missense variant.
Genome position (GRCh38, 1-based): chr1:202,335,651, C>T on the plus strand (G>A on the coding strand, the complement: UBE2T is on the minus strand). VCF-style: chr1-202335651-C-T. GRCh37 (hg19) VCF-style: chr1-202304779-C-T.
Other names: c.10G>A, p.Glu4Lys (NM_001310326.2); short protein forms E4K, R35Q.
Identifiers: ClinVar variation 4765570 (VCV004765570.1).